The following is an entry in ClinVar:

ClinVar aggregate classification (germline): Pathogenic (1 of 4 stars; one submission).

Conditions:
Mucolipidosis type IV (ML4). Also called: ML IV. Identifiers: Orphanet 578, MedGen C0238286, MONDO:0009653, OMIM 252650.

Submission:

Labcorp Genetics (formerly Invitae), Labcorp
Classification: Pathogenic for Mucolipidosis type IV. Last evaluated: 2022-10-28. Review status: criteria provided, single submitter. Criteria: Invitae Variant Classification Sherloc (09022015). Collection method: clinical testing. Allele origin: germline.
Comment: For these reasons, this variant has been classified as Pathogenic. Algorithms developed to predict the effect of sequence changes on RNA splicing suggest that this variant may disrupt the consensus splice site. ClinVar contains an entry for this variant (Variation ID: 1067111). Disruption of this splice site has been observed in individual(s) with MCOLN1-related conditions (PMID: 31578829, 31618753). In at least one individual the data is consistent with being in trans (on the opposite chromosome) from a pathogenic variant. This variant is not present in population databases (gnomAD no frequency). This sequence change affects a donor splice site in intron 3 of the MCOLN1 gene. It is expected to disrupt RNA splicing. Variants that disrupt the donor or acceptor splice site typically lead to a loss of protein function (PMID: 16199547), and loss-of-function variants in MCOLN1 are known to be pathogenic (PMID: 11030752, 11317355).

Literature cited by the submitters: PubMed 31578829; PubMed 31618753; PubMed 16199547; PubMed 11030752; PubMed 11317355.

NM_020533.3(MCOLN1):c.405+1G>C

Gene: MCOLN1 (mucolipin TRP cation channel 1; plus strand). Cytogenetic location: 19p13.2.
Variant type: single nucleotide variant.
Coding change: c.405+1G>C on transcript NM_020533.3 (MANE Select); the canonical splice donor site of the intron after coding-DNA position 405, G replaced by C.
Molecular consequence: splice donor variant.
Genome position (GRCh38, 1-based): chr19:7,526,607, G>C. VCF-style: chr19-7526607-G-C. GRCh37 (hg19) VCF-style: chr19-7591493-G-C.
Identifiers: ClinVar variation 1067111 (VCV001067111.9), dbSNP rs148748724, ClinGen allele CA403081028.